The following is an entry in ClinVar:

NM_015559.3(SETBP1):c.4039G>C (p.Val1347Leu)

Gene: SETBP1 (SET binding protein 1; plus strand). Cytogenetic location: 18q12.3.
Variant type: single nucleotide variant.
Coding change: c.4039G>C on transcript NM_015559.3 (MANE Select); coding-DNA position 4039, G replaced by C.
Protein change: p.Val1347Leu; replaces valine 1347 with leucine.
Molecular consequence: missense variant. On other transcripts: intron variant (1).
Genome position (GRCh38, 1-based): chr18:45,038,523, G>C. VCF-style: chr18-45038523-G-C. GRCh37 (hg19) VCF-style: chr18-42618488-G-C.
Other names: c.4039G>C, p.Val1347Leu (NM_001379141.1, NM_001379142.1); c.4001-24556G>C (NM_001410862.1); short protein forms V1347L.
Identifiers: ClinVar variation 2782286 (VCV002782286.3), dbSNP rs1332598357, ClinGen allele CA402482385.

ClinVar aggregate classification (germline): Uncertain significance (1 of 4 stars; one submission).

Submission:

Labcorp Genetics (formerly Invitae), Labcorp
Classification: Uncertain significance. Last evaluated: 2025-06-16. Review status: criteria provided, single submitter. Criteria: Invitae Variant Classification Sherloc (09022015). Collection method: clinical testing. Allele origin: germline.
Comment: This sequence change replaces valine, which is neutral and non-polar, with leucine, which is neutral and non-polar, at codon 1347 of the SETBP1 protein (p.Val1347Leu). This variant is not present in population databases (gnomAD no frequency). This variant has not been reported in the literature in individuals affected with SETBP1-related conditions. ClinVar contains an entry for this variant (Variation ID: 2782286). Invitae Evidence Modeling of protein sequence and biophysical properties (such as structural, functional, and spatial information, amino acid conservation, physicochemical variation, residue mobility, and thermodynamic stability) indicates that this missense variant is not expected to disrupt SETBP1 protein function with a negative predictive value of 80%. In summary, the available evidence is currently insufficient to determine the role of this variant in disease. Therefore, it has been classified as a Variant of Uncertain Significance.